The following is an entry in ClinVar:

ClinVar aggregate classification (germline): Uncertain significance. Review status: criteria provided, multiple submitters, no conflicts (2 of 4 stars). 3 submissions from 3 submitters: Uncertain significance (3). Last evaluated 2025-03-12.

Allele frequency attached by ClinVar (database versions not stated): TOPMed below 0.00001; gnomAD exomes 0.00003.
gnomAD v4.1: 36 of 1,614,086 alleles (0.0022%); highest among the groups gnomAD compares: Non-Finnish European, 0.0031%; no homozygotes.

Submissions (3):

GeneDx
Classification: Uncertain significance. Last evaluated: 2025-03-12. Review status: criteria provided, single submitter. Criteria: GeneDx Variant Classification Process June 2021. Collection method: clinical testing. Allele origin: germline. Affected: yes.
Comment: Not observed at significant frequency in large population cohorts (gnomAD); In silico analysis supports that this missense variant has a deleterious effect on protein structure/function; Has not been previously published as pathogenic or benign to our knowledge

Labcorp Genetics (formerly Invitae), Labcorp
Classification: Uncertain significance. Last evaluated: 2022-03-11. Review status: criteria provided, single submitter. Criteria: Invitae Variant Classification Sherloc (09022015). Collection method: clinical testing. Allele origin: germline.
Comment: This sequence change replaces proline, which is neutral and non-polar, with serine, which is neutral and polar, at codon 2621 of the USH2A protein (p.Pro2621Ser). This variant is not present in population databases (gnomAD no frequency). This variant has not been reported in the literature in individuals affected with USH2A-related conditions. Algorithms developed to predict the effect of missense changes on protein structure and function output the following: SIFT: "Deleterious"; PolyPhen-2: "Benign"; Align-GVGD: "Class C65". The serine amino acid residue is found in multiple mammalian species, which suggests that this missense change does not adversely affect protein function. In summary, the available evidence is currently insufficient to determine the role of this variant in disease. Therefore, it has been classified as a Variant of Uncertain Significance.

Blueprint Genetics
Classification: Uncertain significance. Last evaluated: 2018-10-12. Review status: criteria provided, single submitter. Criteria: ACMG Guidelines, 2015. Collection method: clinical testing. Allele origin: germline.

NM_206933.4(USH2A):c.7861C>T (p.Pro2621Ser)

Gene: USH2A (usherin; minus strand). Cytogenetic location: 1q41.
Variant type: single nucleotide variant.
Coding change: c.7861C>T on transcript NM_206933.4 (MANE Select); coding-DNA position 7861, C replaced by T.
Protein change: p.Pro2621Ser; replaces proline 2621 with serine.
Molecular consequence: missense variant.
Genome position (GRCh38, 1-based): chr1:215,888,788, G>A on the plus strand (C>T on the coding strand, the complement: USH2A is on the minus strand). VCF-style: chr1-215888788-G-A. GRCh37 (hg19) VCF-style: chr1-216062130-G-A.
Other names: c.7861C>T (NM_206933.2); short protein forms P2621S.
Identifiers: ClinVar variation 2139426 (VCV002139426.3), dbSNP rs866592974, ClinGen allele CA37442640.